The following is an entry in ClinVar:

NM_001743.6(CALM2):c.-30C>A

Gene: CALM2 (calmodulin 2; minus strand). Cytogenetic location: 2p21.
Variant type: single nucleotide variant.
Coding change: c.-30C>A on transcript NM_001743.6 (MANE Select); 30 bases upstream of the start codon, C replaced by A.
Molecular consequence: 5 prime UTR variant. On other transcripts: synonymous variant (1), intron variant (1).
Genome position (GRCh38, 1-based): chr2:47,176,473, G>T on the plus strand (C>A on the coding strand, the complement: CALM2 is on the minus strand). VCF-style: chr2-47176473-G-T. GRCh37 (hg19) VCF-style: chr2-47403612-G-T.
Other names: c.69C>A, p.Val23= (NM_001305624.1); c.-106+376C>A (NM_001305625.2).
Identifiers: ClinVar variation 509009 (VCV000509009.1), dbSNP rs200169692, ClinGen allele CA1648683.

ClinVar aggregate classification (germline): Likely benign (1 of 4 stars; one submission).

Allele frequency attached by ClinVar (database versions not stated): TOPMed 0.00001.
gnomAD v4.1: 12 of 1,613,314 alleles (0.00074%); highest among the groups gnomAD compares: African/African-American, 0.004%; no homozygotes.

Submission:

GeneDx
Classification: Likely benign. Last evaluated: 2017-04-17. Review status: criteria provided, single submitter. Criteria: GeneDx Variant Classification (06012015). Collection method: clinical testing. Allele origin: germline. Affected: yes.
Comment: This variant is considered likely benign or benign based on one or more of the following criteria: it is a conservative change, it occurs at a poorly conserved position in the protein, it is predicted to be benign by multiple in silico algorithms, and/or has population frequency not consistent with disease.